The following is an entry in ClinVar:

NM_000500.9(CYP21A2):c.850A>G (p.Met284Val)

Genes: CYP21A2 (cytochrome P450 family 21 subfamily A member 2; plus strand), LOC106780800 (CYP21A2 recombination region; plus strand). Cytogenetic location: 6p21.33.
Variant type: single nucleotide variant.
Coding change: c.850A>G on transcript NM_000500.9 (MANE Select); coding-DNA position 850, A replaced by G.
Protein change: p.Met284Val; replaces methionine 284 with valine.
Molecular consequence: missense variant.
Genome position (GRCh38, 1-based): chr6:32,040,116, A>G. VCF-style: chr6-32040116-A-G. GRCh37 (hg19) VCF-style: chr6-32007893-A-G.
Other names: c.760A>G, p.Met254Val (NM_001128590.4); c.445A>G, p.Met149Val (NM_001368143.2, NM_001368144.2); c.850A>G (NM_000500.7); short protein forms M254V, M284V, M149V.
Identifiers: ClinVar variation 800926 (VCV000800926.28), dbSNP rs770199817, ClinGen allele CA3732555.

ClinVar aggregate classification (germline): Pathogenic/Likely pathogenic. Review status: criteria provided, multiple submitters, no conflicts (2 of 4 stars). 10 submissions from 10 submitters: Pathogenic (4); Likely pathogenic (4). 2 of the submissions do not count toward it. Last evaluated 2026-01-27.

Conditions:
21-Hydroxylase-Deficient Congenital Adrenal Hyperplasia. Also called: ADRENAL HYPERPLASIA, CONGENITAL, DUE TO 21-HYDROXYLASE DEFICIENCY; ADRENAL HYPERPLASIA III. Identifiers: MedGen C2936858, OMIM 201910.
CYP21A2-related disorder. Also called: CYP21A2-related condition.

Allele frequency attached by ClinVar (database versions not stated): ExAC 0.00003; gnomAD exomes 0.00004; gnomAD 0.00007; TOPMed 0.00008.
gnomAD v4.1: 78 of 1,612,838 alleles (0.0048%); highest among the groups gnomAD compares: Middle Eastern, 0.15%; no homozygotes.

Submissions (10):

PreventionGenetics, part of Exact Sciences
Classification: Pathogenic for CYP21A2-related condition. Last evaluated: 2026-01-27. Review status: criteria provided, single submitter. Criteria: ACMG Guidelines, 2015. Collection method: clinical testing. Allele origin: germline.
Comment: The CYP21A2 c.850A>G variant is predicted to result in the amino acid substitution p.Met284Val. In the compound heterozygous state with other pathogenic variants, this variant has been reported to be pathogenic and associated with non-classic congenital adrenal hyperplasia (CAH) (aka M283V; see for example, Taboas et al. 2014. PubMed ID: 24667412; Turan et al. 2019. PubMed ID: 31586465). This variant is reported in 0.0097% of alleles in individuals of Ashkenazi Jewish descent in gnomAD. This variant falls within a highly paralogous region. Allele frequency data should be interpreted with caution. This variant is interpreted as pathogenic.

3billion
Classification: Likely pathogenic for 21-Hydroxylase-Deficient Congenital Adrenal Hyperplasia. Last evaluated: 2026-01-23. Review status: criteria provided, single submitter. Criteria: ACMG Guidelines, 2015. Collection method: clinical testing. Allele origin: germline. Affected: yes.
Comment: The variant is observed at an extremely low frequency in the gnomAD v4.1.0 dataset (total allele frequency: 0.005%). Predicted Consequence/Location: Missense variant In silico tool predictions suggest damaging effect of the variant on gene or gene product [3Cnet: 0.95 (> 0.75, sensitivity 0.96 and precision 0.92)]. The same nucleotide change resulting in the same amino acid change has been previously reported as pathogenic/likely pathogenic with strong evidence (ClinVar ID: VCV000800926 /PMID: 21264314). A different missense change at the same codon (p.Met284Leu) has been reported to be associated with CYP21A2-related disorder (PMID: 12222711). Therefore, this variant is classified as Likely pathogenic according to the recommendation of ACMG/AMP guideline.

Blueprint Genetics
Classification: Pathogenic for CYP21A2-related disorders. Last evaluated: 2024-10-29. Review status: criteria provided, single submitter. Criteria: ACMG Guidelines, 2015. Collection method: clinical testing. Allele origin: germline. Affected: yes. Observed: 5 variant alleles.

Newborn Screening Ontario, Children's Hospital of Eastern Ontario (CHEO)
Classification: Pathogenic for 21-Hydroxylase-Deficient Congenital Adrenal Hyperplasia. Last evaluated: 2024-08-01. Review status: criteria provided, single submitter. Criteria: ACMG Guidelines, 2015. Collection method: clinical testing. Allele origin: germline. Inheritance: Autosomal recessive inheritance.

Genomic Medicine Center of Excellence, King Faisal Specialist Hospital and Research Centre
Classification: Likely pathogenic for 21-Hydroxylase-Deficient Congenital Adrenal Hyperplasia. Last evaluated: 2024-03-17. Review status: criteria provided, single submitter. Criteria: ACMG Guidelines, 2015. Collection method: research. Allele origin: germline.

Athena Diagnostics
Classification: Pathogenic. Last evaluated: 2023-10-25. Review status: criteria provided, single submitter. Criteria: Athena Diagnostics Criteria. Collection method: clinical testing. Allele origin: unknown.
Comment: Frequency data for this variant in the general population cannot be distinguished from that of the CYP21P pseudogene, and are therefore uninformative in assessment of variant pathogenicity. In multiple individuals with nonclassic CAH, this variant has been seen in trans with other recessive pathogenic variants in CYP21A2, suggesting this variant is also pathogenic. In some published literature, this variant is referred to as M283V. Assessment of experimental evidence suggests this variant results in abnormal protein function. (PMID: 24667412)

Fulgent Genetics
Classification: Likely pathogenic for 21-Hydroxylase-Deficient Congenital Adrenal Hyperplasia. Last evaluated: 2022-03-17. Review status: criteria provided, single submitter. Criteria: ACMG Guidelines, 2015. Collection method: clinical testing. Allele origin: unknown.

Clinical Genetics and Genomics, Karolinska University Hospital
Classification: Likely pathogenic. Last evaluated: 2016-10-17. Review status: criteria provided, single submitter. Criteria: ACMG Guidelines, 2015. Collection method: clinical testing. Allele origin: germline. Affected: yes. Observed: 3 variant alleles.

Clinical Laboratory Sciences Program (CLSP), King Saud bin Abdulaziz University for Health Sciences (KSAU-HS)
Classification: Likely pathogenic for 21-Hydroxylase-Deficient Congenital Adrenal Hyperplasia. Last evaluated: 2023-04-01. Review status: no assertion criteria provided. Collection method: clinical testing. Allele origin: germline. Affected: yes. Not counted in ClinVar's aggregate classification.

Biochemical Molecular Genetic Laboratory, King Abdulaziz Medical City
Classification: Likely pathogenic for 21-Hydroxylase-Deficient Congenital Adrenal Hyperplasia. Last evaluated: 2019-09-26. Review status: no assertion criteria provided. Collection method: clinical testing. Allele origin: germline. Affected: yes. Not counted in ClinVar's aggregate classification.

Literature cited by the submitters: PubMed 21264314 (cited by 3billion and Athena Diagnostics); PubMed 12222711 (cited by 3billion); PubMed 20233785 (cited by Athena Diagnostics); PubMed 28454995 (cited by Athena Diagnostics); PubMed 23359706 (cited by Athena Diagnostics); PubMed 24667412 (cited by Athena Diagnostics); PubMed 31586465 (cited by Athena Diagnostics); PubMed 30811025 (cited by Athena Diagnostics); PubMed 35292353 (cited by Athena Diagnostics); PubMed 34394200 (cited by Athena Diagnostics); PubMed 30419250 (cited by Athena Diagnostics); PubMed 37324257 (cited by Athena Diagnostics); PubMed 20838032 (cited by Athena Diagnostics); PubMed 23600966 (cited by Athena Diagnostics); PubMed 32289882 (cited by Athena Diagnostics); PubMed 32616876 (cited by Athena Diagnostics); PubMed 21635882 (cited by Athena Diagnostics); PubMed 24622265 (cited by Athena Diagnostics).